The following is an entry in ClinVar:

NM_020549.5(CHAT):c.1981C>A (p.Pro661Thr)

Gene: CHAT (choline O-acetyltransferase; plus strand). Cytogenetic location: 10q11.23.
Variant type: single nucleotide variant.
Coding change: c.1981C>A on transcript NM_020549.5 (MANE Select); coding-DNA position 1981, C replaced by A.
Protein change: p.Pro661Thr; replaces proline 661 with threonine.
Molecular consequence: missense variant.
Genome position (GRCh38, 1-based): chr10:49,664,780, C>A. VCF-style: chr10-49664780-C-A. GRCh37 (hg19) VCF-style: chr10-50872826-C-A.
Other names: c.1627C>A, p.Pro543Thr (NM_001142929.2, NM_001142934.2, NM_020984.4 and 2 more transcripts); c.1735C>A, p.Pro579Thr (NM_001142933.2); short protein forms P543T, P579T, P661T.
Identifiers: ClinVar variation 4802617 (VCV004802617.1).

ClinVar aggregate classification (germline): Uncertain significance (1 of 4 stars; one submission).

Conditions:
Familial infantile myasthenia (CMS6). Also called: MYASTHENIC SYNDROME, CONGENITAL, 6, PRESYNAPTIC; MYASTHENIC SYNDROME, PRESYNAPTIC, CONGENITAL, ASSOCIATED WITH EPISODIC APNEA; Congenital myasthenic syndrome type 6. Identifiers: Orphanet 590, MedGen C0393929, MONDO:0009689, OMIM 254210.

Submission:

Labcorp Genetics (formerly Invitae), Labcorp
Classification: Uncertain significance for Familial infantile myasthenia. Last evaluated: 2025-11-21. Review status: criteria provided, single submitter. Criteria: Invitae Variant Classification Sherloc (09022015). Collection method: clinical testing. Allele origin: germline.
Comment: This sequence change replaces proline, which is neutral and non-polar, with threonine, which is neutral and polar, at codon 661 of the CHAT protein (p.Pro661Thr). This variant is not present in population databases (gnomAD no frequency). This variant has not been reported in the literature in individuals affected with CHAT-related conditions. Invitae Evidence Modeling of protein sequence and biophysical properties (such as structural, functional, and spatial information, amino acid conservation, physicochemical variation, residue mobility, and thermodynamic stability) has been performed for this missense variant. However, the output from this modeling did not meet the statistical confidence thresholds required to predict the impact of this variant on CHAT protein function. In summary, the available evidence is currently insufficient to determine the role of this variant in disease. Therefore, it has been classified as a Variant of Uncertain Significance.